The following is an entry in ClinVar:

ClinVar aggregate classification (germline): Pathogenic (1 of 4 stars; one submission).

Conditions:
Pulmonary fibrosis and/or bone marrow failure, Telomere-related, 3. Also called: PULMONARY FIBROSIS AND/OR BONE MARROW FAILURE SYNDROME, TELOMERE-RELATED, 3. Identifiers: Orphanet 2032, MedGen C4225346, MONDO:0014613, OMIM 616373.
Dyskeratosis congenita, autosomal recessive 5 (DKCB5). Identifiers: MedGen C3554656, MONDO:0014076, OMIM 615190.

Allele frequency attached by ClinVar (database versions not stated): gnomAD exomes below 0.00001.

Submission:

Labcorp Genetics (formerly Invitae), Labcorp
Classification: Pathogenic for Dyskeratosis congenita, autosomal recessive 5; Pulmonary fibrosis and/or bone marrow failure, Telomere-related, 3. Last evaluated: 2023-01-26. Review status: criteria provided, single submitter. Criteria: Invitae Variant Classification Sherloc (09022015). Collection method: clinical testing. Allele origin: germline.
Comment: For these reasons, this variant has been classified as Pathogenic. This variant has not been reported in the literature in individuals affected with RTEL1-related conditions. This variant is not present in population databases (gnomAD no frequency). This sequence change creates a premature translational stop signal (p.Gln21*) in the RTEL1 gene. It is expected to result in an absent or disrupted protein product. Loss-of-function variants in RTEL1 are known to be pathogenic (PMID: 23453664, 23959892, 25607374).

Literature cited by the submitters: PubMed 23453664; PubMed 23959892; PubMed 25607374.

NM_001283009.2(RTEL1):c.61C>T (p.Gln21Ter)

Genes: RTEL1-TNFRSF6B (RTEL1-TNFRSF6B readthrough (NMD candidate); plus strand), RTEL1 (regulator of telomere elongation helicase 1; plus strand). Cytogenetic location: 20q13.33.
Variant type: single nucleotide variant.
Coding change: c.61C>T on transcript NM_001283009.2 (MANE Select); coding-DNA position 61, C replaced by T.
Protein change: p.Gln21Ter; replaces glutamine 21 with a stop codon.
Molecular consequence: nonsense. On other transcripts: non-coding transcript variant (1), intron variant (1).
Genome position (GRCh38, 1-based): chr20:63,659,463, C>T. VCF-style: chr20-63659463-C-T. GRCh37 (hg19) VCF-style: chr20-62290816-C-T.
Other names: c.61C>T, p.Gln21Ter (NM_016434.4, NM_032957.5); c.-568+1004C>T (NM_001283010.1); short protein forms Q21*.
Identifiers: ClinVar variation 1949453 (VCV001949453.5), dbSNP rs2516986131, ClinGen allele CA409657520.